The following is an entry in ClinVar:

NM_198597.3(SEC24C):c.1160T>C (p.Met387Thr)

Gene: SEC24C (SEC24 homolog C, COPII component; plus strand). Cytogenetic location: 10q22.2.
Variant type: single nucleotide variant.
Coding change: c.1160T>C on transcript NM_198597.3 (MANE Select); coding-DNA position 1160, T replaced by C.
Protein change: p.Met387Thr; replaces methionine 387 with threonine.
Molecular consequence: missense variant.
Genome position (GRCh38, 1-based): chr10:73,763,916, T>C. VCF-style: chr10-73763916-T-C. GRCh37 (hg19) VCF-style: chr10-75523674-T-C.
Other names: c.1160T>C, p.Met387Thr (NM_004922.4); short protein forms M387T.
Identifiers: ClinVar variation 4820669 (VCV004820669.4).

ClinVar aggregate classification (germline): Likely benign (1 of 4 stars; one submission).

gnomAD v4.1: 6,423 of 1,613,322 alleles (0.4%); highest among the groups gnomAD compares: Non-Finnish European, 0.47%; 9 homozygotes.

Submission:

CeGaT Center for Human Genetics Tuebingen
Classification: Likely benign. Last evaluated: 2026-03-01. Review status: criteria provided, single submitter. Criteria: CeGaT Center For Human Genetics Tuebingen Variant Classification Criteria Version 2. Collection method: clinical testing. Allele origin: germline. Affected: yes. Observed: 1 variant allele.
Comment: SEC24C: BS2